The following is an entry in ClinVar:

ClinVar aggregate classification (germline): Uncertain significance (0 of 4 stars; one submission).

Conditions:
ABCA2-related disorder. Also called: ABCA2-related condition.

gnomAD v4.1: 5 of 1,607,604 alleles (0.00031%); highest among the groups gnomAD compares: Non-Finnish European, 0.00042%; no homozygotes.

Submission:

PreventionGenetics, part of Exact Sciences
Classification: Uncertain significance for ABCA2-related condition. Last evaluated: 2024-06-07. Review status: no assertion criteria provided. Collection method: clinical testing. Allele origin: germline.
Comment: The ABCA2 c.6842C>T variant is predicted to result in the amino acid substitution p.Ala2281Val. To our knowledge, this variant has not been reported in the literature or in a large population database, indicating this variant is rare. At this time, the clinical significance of this variant is uncertain due to the absence of conclusive functional and genetic evidence.

NM_001606.5(ABCA2):c.6752C>T (p.Ala2251Val)

Gene: ABCA2 (ATP binding cassette subfamily A member 2; minus strand). Cytogenetic location: 9q34.3.
Variant type: single nucleotide variant.
Coding change: c.6752C>T on transcript NM_001606.5 (MANE Select); coding-DNA position 6752, C replaced by T.
Protein change: p.Ala2251Val; replaces alanine 2251 with valine.
Molecular consequence: missense variant.
Genome position (GRCh38, 1-based): chr9:137,009,445, G>A on the plus strand (C>T on the coding strand, the complement: ABCA2 is on the minus strand). VCF-style: chr9-137009445-G-A. GRCh37 (hg19) VCF-style: chr9-139903897-G-A.
Other names: c.6749C>T, p.Ala2250Val (NM_001411042.1); c.6842C>T, p.Ala2281Val (NM_212533.3); short protein forms A2250V, A2251V, A2281V.
Identifiers: ClinVar variation 3355641 (VCV003355641.1).